The following is an entry in ClinVar:

ClinVar aggregate classification (germline): Uncertain significance (1 of 4 stars; one submission).

Conditions:
GABRE-related epilepsy.

Allele frequency attached by ClinVar (database versions not stated): TOPMed 0.00002.
gnomAD v4.1: 12 of 1,200,849 alleles (0.001%); highest among the groups gnomAD compares: African/African-American, 0.014%; no homozygotes.

Submission:

New York Genome Center
Classification: Uncertain significance for GABRE-related epilepsy. Last evaluated: 2022-01-07. Review status: criteria provided, single submitter. Criteria: NYGC Assertion Criteria 2020. Collection method: clinical testing. Allele origin: inherited. Observed: 1 hemizygote. Study: CSER-NYCKidSeq.
Comment: The variant has 0.00003575 allele frequency in the gnomAD(v3) database (4 out of 111899 heterozygous alleles, no homozygote or hemizygote) suggesting it is not a common benign variant in the populations represented in that database. The variant is located within the predicted neurotransmitter-gated ion-channel transmembrane region [2] and affects a moderately conserved residue. In silico tools provide conflicting predictions about potential pathogenicity of this variant (CADD score = 21.8, REVEL score = 0.322). Due to the lack of compelling evidence for this variant’s pathogenicity and because the disease-gene association is not yet fully established, the maternally inherited hemizygous c.1177C>T (p.Arg393Cys) missense variant identified in the GABRE gene is reported as a Variant of Uncertain Significance in a Gene of Uncertain Significance.

NM_004961.4(GABRE):c.1177C>T (p.Arg393Cys)

Gene: GABRE (gamma-aminobutyric acid type A receptor subunit epsilon; minus strand). Cytogenetic location: Xq28.
Variant type: single nucleotide variant.
Coding change: c.1177C>T on transcript NM_004961.4 (MANE Select); coding-DNA position 1177, C replaced by T.
Protein change: p.Arg393Cys; replaces arginine 393 with cysteine.
Molecular consequence: missense variant.
Genome position (GRCh38, 1-based): chrX:151,955,045, G>A on the plus strand (C>T on the coding strand, the complement: GABRE is on the minus strand). VCF-style: chrX-151955045-G-A. GRCh37 (hg19) VCF-style: chrX-151123517-G-A.
Other names: short protein forms R393C.
Identifiers: ClinVar variation 1701710 (VCV001701710.1), dbSNP rs753240533, ClinGen allele CA415055413.